The following is an entry in ClinVar:

NM_144499.3(GNAT1):c.328A>G (p.Ile110Val)

Gene: GNAT1 (G protein subunit alpha transducin 1; plus strand). Cytogenetic location: 3p21.31.
Variant type: single nucleotide variant.
Coding change: c.328A>G on transcript NM_144499.3 (MANE Select); coding-DNA position 328, A replaced by G.
Protein change: p.Ile110Val; replaces isoleucine 110 with valine.
Molecular consequence: missense variant.
Genome position (GRCh38, 1-based): chr3:50,193,542, A>G. VCF-style: chr3-50193542-A-G. GRCh37 (hg19) VCF-style: chr3-50230975-A-G.
Other names: c.328A>G, p.Ile110Val (NM_000172.4); short protein forms I110V.
Identifiers: ClinVar variation 2700704 (VCV002700704.3), dbSNP rs2546144783, ClinGen allele CA352914619.

ClinVar aggregate classification (germline): Uncertain significance (1 of 4 stars; one submission).

gnomAD v4.1: 1 of 1,613,336 alleles (0.000062%); highest among the groups gnomAD compares: Non-Finnish European, 0.000085%; no homozygotes.

Submission:

Labcorp Genetics (formerly Invitae), Labcorp
Classification: Uncertain significance. Last evaluated: 2023-09-09. Review status: criteria provided, single submitter. Criteria: Invitae Variant Classification Sherloc (09022015). Collection method: clinical testing. Allele origin: germline.
Comment: In summary, the available evidence is currently insufficient to determine the role of this variant in disease. Therefore, it has been classified as a Variant of Uncertain Significance. Advanced modeling of protein sequence and biophysical properties (such as structural, functional, and spatial information, amino acid conservation, physicochemical variation, residue mobility, and thermodynamic stability) performed at Invitae indicates that this missense variant is not expected to disrupt GNAT1 protein function. This variant has not been reported in the literature in individuals affected with GNAT1-related conditions. This variant is not present in population databases (gnomAD no frequency). This sequence change replaces isoleucine, which is neutral and non-polar, with valine, which is neutral and non-polar, at codon 110 of the GNAT1 protein (p.Ile110Val).